The following is an entry in ClinVar:

ClinVar aggregate classification (germline): Conflicting classifications of pathogenicity. Review status: criteria provided, conflicting classifications (1 of 4 stars). 2 submissions from 2 submitters: Likely pathogenic (1); Uncertain significance (1). Last evaluated 2025-09-02.

Conditions:
Polycystic kidney disease, adult type (PKD1). Also called: Polycystic Kidney Disease 1, Autosomal Dominant; Polycystic kidney disease 1; Polycystic kidney disease 1, severe; POLYCYSTIC KIDNEY DISEASE 1 WITH OR WITHOUT POLYCYSTIC LIVER DISEASE; POLYCYSTIC KIDNEY DISEASE, ADULT, TYPE I; Polycystic Kidney, Autosomal Dominant. Identifiers: MedGen C3149841, MONDO:0008263, OMIM 173900.

Submissions (2):

Clinical Genetics Laboratory, Skane University Hospital Lund
Classification: Likely pathogenic for Polycystic kidney disease, adult type. Last evaluated: 2025-09-02. Review status: criteria provided, single submitter. Criteria: ACMG Guidelines, 2015. Collection method: clinical testing. Allele origin: germline. Inheritance: Autosomal dominant inheritance. Affected: yes.
Comment: ACMG criteria: PM2, PP1_supporting and PP4_strong

Fulgent Genetics
Classification: Uncertain significance for Polycystic kidney disease, adult type. Last evaluated: 2024-03-13. Review status: criteria provided, single submitter. Criteria: ACMG Guidelines, 2015. Collection method: clinical testing. Allele origin: germline.

NM_001009944.3(PKD1):c.3743G>A (p.Gly1248Glu)

Gene: PKD1 (polycystin 1, transient receptor potential channel interacting; minus strand). Cytogenetic location: 16p13.3.
Variant type: single nucleotide variant.
Coding change: c.3743G>A on transcript NM_001009944.3 (MANE Select); coding-DNA position 3743, G replaced by A.
Protein change: p.Gly1248Glu; replaces glycine 1248 with glutamic acid.
Molecular consequence: missense variant.
Genome position (GRCh38, 1-based): chr16:2,111,424, C>T on the plus strand (G>A on the coding strand, the complement: PKD1 is on the minus strand). VCF-style: chr16-2111424-C-T. GRCh37 (hg19) VCF-style: chr16-2161425-C-T.
Other names: c.3743G>A, p.Gly1248Glu (NM_000296.4); short protein forms G1248E.
Identifiers: ClinVar variation 3579582 (VCV003579582.1).